The following is an entry in ClinVar:

NM_000238.4(KCNH2):c.1946-1G>C

Gene: KCNH2 (potassium voltage-gated channel subfamily H member 2; minus strand). Cytogenetic location: 7q36.1.
Variant type: single nucleotide variant.
Coding change: c.1946-1G>C on transcript NM_000238.4 (MANE Select); the canonical splice acceptor site of the intron before coding-DNA position 1946, G replaced by C.
Molecular consequence: splice acceptor variant.
Genome position (GRCh38, 1-based): chr7:150,951,121, C>G on the plus strand (G>C on the coding strand, the complement: KCNH2 is on the minus strand). VCF-style: chr7-150951121-C-G. GRCh37 (hg19) VCF-style: chr7-150648209-C-G.
Other names: c.1658-1G>C (NM_001406753.1, NM_001406756.1); c.926-1G>C (NM_172057.3, NM_001204798.2); c.1946-1G>C (NM_172056.3); c.1769-1G>C (NM_001406755.1); c.1646-1G>C (NM_001406757.1).
Identifiers: ClinVar variation 1521307 (VCV001521307.7), dbSNP rs794728375, ClinGen allele CA369857792.

ClinVar aggregate classification (germline): Pathogenic (1 of 4 stars; one submission).

Conditions:
Long QT syndrome (LQTS). Identifiers: MedGen C0023976, MeSH D008133, MONDO:0002442. Disease mechanism: loss of function. Inheritance: Various modes of inheritance.

Submission:

Labcorp Genetics (formerly Invitae), Labcorp
Classification: Pathogenic for Long QT syndrome. Last evaluated: 2022-11-15. Review status: criteria provided, single submitter. Criteria: Invitae Variant Classification Sherloc (09022015). Collection method: clinical testing. Allele origin: germline.
Comment: For these reasons, this variant has been classified as Pathogenic. Algorithms developed to predict the effect of sequence changes on RNA splicing suggest that this variant may disrupt the consensus splice site. ClinVar contains an entry for this variant (Variation ID: 1521307). Disruption of this splice site has been observed in individuals with clinical features of long QT syndrome (Invitae). This variant is not present in population databases (gnomAD no frequency). This sequence change affects an acceptor splice site in intron 7 of the KCNH2 gene. It is expected to disrupt RNA splicing. Variants that disrupt the donor or acceptor splice site typically lead to a loss of protein function (PMID: 16199547), and loss-of-function variants in KCNH2 are known to be pathogenic (PMID: 10973849, 19862833).

Literature cited by the submitters: PubMed 16199547; PubMed 10973849; PubMed 19862833.